The following is an entry in ClinVar:

NM_032119.4(ADGRV1):c.2872A>G (p.Ile958Val)

Gene: ADGRV1 (adhesion G protein-coupled receptor V1; plus strand). Cytogenetic location: 5q14.3.
Variant type: single nucleotide variant.
Coding change: c.2872A>G on transcript NM_032119.4 (MANE Select); coding-DNA position 2872, A replaced by G.
Protein change: p.Ile958Val; replaces isoleucine 958 with valine.
Molecular consequence: missense variant. On other transcripts: non-coding transcript variant (1).
Genome position (GRCh38, 1-based): chr5:90,644,843, A>G. VCF-style: chr5-90644843-A-G. GRCh37 (hg19) VCF-style: chr5-89940660-A-G.
Other names: c.2872A>G (NM_032119.3); short protein forms I958V.
Identifiers: ClinVar variation 2065313 (VCV002065313.5), dbSNP rs2532000462, ClinGen allele CA360391217.

ClinVar aggregate classification (germline): Uncertain significance. Review status: criteria provided, multiple submitters, no conflicts (2 of 4 stars). 2 submissions from 2 submitters: Uncertain significance (2). Last evaluated 2025-10-29.

Conditions:
Inborn genetic diseases. Identifiers: MedGen C0950123, MeSH D030342.

gnomAD v4.1: 1 of 1,607,450 alleles (0.000062%); highest among the groups gnomAD compares: African/African-American, 0.0013%; no homozygotes.

Submissions (2):

Ambry Genetics
Classification: Uncertain significance for Inborn genetic diseases. Last evaluated: 2025-10-29. Review status: criteria provided, single submitter. Criteria: Ambry Variant Classification Scheme 2023. Collection method: clinical testing. Allele origin: germline.

Labcorp Genetics (formerly Invitae), Labcorp
Classification: Uncertain significance. Last evaluated: 2022-11-01. Review status: criteria provided, single submitter. Criteria: Invitae Variant Classification Sherloc (09022015). Collection method: clinical testing. Allele origin: germline.
Comment: This sequence change replaces isoleucine, which is neutral and non-polar, with valine, which is neutral and non-polar, at codon 958 of the ADGRV1 protein (p.Ile958Val). This variant is not present in population databases (gnomAD no frequency). This variant has not been reported in the literature in individuals affected with ADGRV1-related conditions. Advanced modeling of protein sequence and biophysical properties (such as structural, functional, and spatial information, amino acid conservation, physicochemical variation, residue mobility, and thermodynamic stability) performed at Invitae indicates that this missense variant is not expected to disrupt ADGRV1 protein function. In summary, the available evidence is currently insufficient to determine the role of this variant in disease. Therefore, it has been classified as a Variant of Uncertain Significance.